The following is an entry in ClinVar:

NM_000330.4(RS1):c.76G>A (p.Glu26Lys)

Gene: RS1 (retinoschisin 1; minus strand). Cytogenetic location: Xp22.13.
Variant type: single nucleotide variant.
Coding change: c.76G>A on transcript NM_000330.4 (MANE Select); coding-DNA position 76, G replaced by A.
Protein change: p.Glu26Lys; replaces glutamic acid 26 with lysine.
Molecular consequence: missense variant.
Genome position (GRCh38, 1-based): chrX:18,657,642, C>T on the plus strand (G>A on the coding strand, the complement: RS1 is on the minus strand). VCF-style: chrX-18657642-C-T. GRCh37 (hg19) VCF-style: chrX-18675762-C-T.
Other names: NM_000330.4(RS1):c.76G>A; p.Glu26Lys; short protein forms E26K.
Identifiers: ClinVar variation 741219 (VCV000741219.13), dbSNP rs140983930, ClinGen allele CA10360819.
Genomic context (GRCh38, chrX:18,657,642, plus strand): 5'-TAGGAAAATTTTCAAAAGTACTATGCATGTACATTACAGCCTTCTTACTGTTACATACCT[C>T]GGTAGACGATAATCCCAATGTGGCTAAAGCAAAAGGATGAGACAGAAAAAATCTAATTAA-3'
Protein context (NP_000321.1, residues 16-36): YEATLGLSST[Glu26Lys]DEGEDPWYQK

ClinVar aggregate classification (germline): Benign. Review status: reviewed by expert panel (3 of 4 stars). 4 submissions from 4 submitters: Benign (1). 3 of the submissions do not count toward it. Last evaluated 2025-05-19.

Conditions:
Juvenile retinoschisis (RS1). Also called: X-Linked Juvenile Retinoschisis; X-linked retinoschisis. Identifiers: Orphanet 792, MedGen C3714753, MONDO:0010725, OMIM 312700.

Allele frequency attached by ClinVar (database versions not stated): gnomAD exomes 0.00082; ExAC 0.00090; 1000 Genomes Project 0.00238; 1000 Genomes Project 30x 0.00250; gnomAD 0.00287 and 0.00308; ESP Exome Variant Server 0.00322; TOPMed 0.00328.
gnomAD v4.1: 655 of 1,198,645 alleles (0.055%); highest among the groups gnomAD compares: African/African-American, 0.95%; 4 homozygotes.

Submissions (4):

ClinGen X-linked Inherited Retinal Disease Variant Curation Expert Panel, ClinGen
Classification: Benign for Juvenile retinoschisis. Last evaluated: 2025-05-19. Review status: reviewed by expert panel. Criteria: ClinGen X LinkedIRD ACMG Specifications RS1 V1.0.0. Collection method: curation. Allele origin: germline. Inheritance: X-linked inheritance.
Comment: The NM_000330.4(RS1):c.76G>A variant is a missense variant encoding the substitution of Glutamic acid with Lysine at amino acid 26. This variant is present in gnomAD v.4.1.0. at a frequency of 0.0004493 among hemizygous individuals, with 174 variant alleles / 387285 total alleles, which is higher than the ClinGen X-linked IRD VCEP BA1 threshold of >0.0002 (BA1). The computational predictor REVEL gives a score of 0.491, which is between the ClinGen X-linked IRD VCEP thresholds of >0.664 and <0.290 and does not predict a damaging effect on RS1 function. Additionally, the splicing impact predictor SpliceAI gives a score of 0.03 (Acceptor Gain), which is below the ClinGen X-linked IRD VCEP recommended threshold of >0.2 and does not strongly predict an impact on splicing. As a result, the BP4 and PP3 codes were not met. In summary, this variant is classified as benign for X-linked retinoschisis based on the ClinGen X-linked Inherited Retinal Disease Expert Panel Specifications to the ACMG/AMP Variant Interpretation Guidelines for RS1 Version 1.0.0: BA1. (date of approval 01/24/2025).

Labcorp Genetics (formerly Invitae), Labcorp
Classification: Benign. Last evaluated: 2026-01-26. Review status: criteria provided, single submitter. Criteria: Invitae Variant Classification Sherloc (09022015). Collection method: clinical testing. Allele origin: germline. Not counted in ClinVar's aggregate classification.

Blueprint Genetics
Classification: Likely benign. Last evaluated: 2024-08-08. Review status: criteria provided, single submitter. Criteria: ACMG Guidelines, 2015. Collection method: clinical testing. Allele origin: germline. Not counted in ClinVar's aggregate classification.

Natera, Inc.
Classification: Benign for X-linked retinoschisis. Last evaluated: 2020-09-16. Review status: no assertion criteria provided. Collection method: clinical testing. Allele origin: germline. Not counted in ClinVar's aggregate classification.